The following is an entry in ClinVar:

ClinVar aggregate classification (germline): Uncertain significance (1 of 4 stars; one submission).

Conditions:
Blau syndrome (BLAUS). Also called: ARTHROCUTANEOUVEAL GRANULOMATOSIS; GRANULOMATOSIS, FAMILIAL JUVENILE SYSTEMIC; GRANULOMATOSIS, FAMILIAL, BLAU TYPE; GRANULOMATOUS INFLAMMATORY ARTHRITIS, DERMATITIS, AND UVEITIS, FAMILIAL; JABS SYNDROME. Identifiers: Orphanet 90340, MedGen C5201146, MONDO:0008523, OMIM 186580.
Regional enteritis. Also called: Enteritis, Granulomatous. Identifiers: MedGen C0678202, MeSH D003424.

gnomAD v4.1: 1 of 1,614,146 alleles (0.000062%); highest among the groups gnomAD compares: Non-Finnish European, 0.000085%; no homozygotes.

Submission:

Labcorp Genetics (formerly Invitae), Labcorp
Classification: Uncertain significance for Regional enteritis; Blau syndrome. Last evaluated: 2022-01-04. Review status: criteria provided, single submitter. Criteria: Invitae Variant Classification Sherloc (09022015). Collection method: clinical testing. Allele origin: germline.
Comment: In summary, the available evidence is currently insufficient to determine the role of this variant in disease. Therefore, it has been classified as a Variant of Uncertain Significance. Advanced modeling of protein sequence and biophysical properties (such as structural, functional, and spatial information, amino acid conservation, physicochemical variation, residue mobility, and thermodynamic stability) performed at Invitae indicates that this missense variant is not expected to disrupt NOD2 protein function. This variant has not been reported in the literature in individuals affected with NOD2-related conditions. This variant is not present in population databases (gnomAD no frequency). This sequence change replaces lysine, which is basic and polar, with glutamic acid, which is acidic and polar, at codon 95 of the NOD2 protein (p.Lys95Glu).

NM_001370466.1(NOD2):c.202A>G (p.Lys68Glu)

Gene: NOD2 (nucleotide binding oligomerization domain containing 2; plus strand). Cytogenetic location: 16q12.1.
Variant type: single nucleotide variant.
Coding change: c.202A>G on transcript NM_001370466.1 (MANE Select); coding-DNA position 202, A replaced by G.
Protein change: p.Lys68Glu; replaces lysine 68 with glutamic acid.
Molecular consequence: missense variant. On other transcripts: non-coding transcript variant (1).
Genome position (GRCh38, 1-based): chr16:50,699,697, A>G. VCF-style: chr16-50699697-A-G. GRCh37 (hg19) VCF-style: chr16-50733608-A-G.
Other names: c.202A>G, p.Lys68Glu (NM_001293557.2); c.283A>G, p.Lys95Glu (NM_022162.3); short protein forms K68E, K95E.
Identifiers: ClinVar variation 1466097 (VCV001466097.6), dbSNP rs2150781997, ClinGen allele CA395866026.
Genomic context (GRCh38, chr16:50,699,697, plus strand): 5'-CACCTCCTGGGCCAGCCTCTCTCCCACTTGGCCAGGCGCCTTCTGGACACCGTCTGGAAT[A>G]AGGGTACTTGGGCCTGTCAGAAGCTCATCGCGGCTGCCCAAGAAGCCCAGGCCGACAGCC-3'
Protein context (NP_001357395.1, residues 58-78): ARRLLDTVWN[Lys68Glu]GTWACQKLIA